The following is an entry in ClinVar:

NM_203446.3(SYNJ1):c.25A>G (p.Ile9Val)

Gene: SYNJ1 (synaptojanin 1; minus strand). Cytogenetic location: 21q22.11.
Variant type: single nucleotide variant.
Coding change: c.25A>G on transcript NM_203446.3 (MANE Select); coding-DNA position 25, A replaced by G.
Protein change: p.Ile9Val; replaces isoleucine 9 with valine.
Molecular consequence: missense variant.
Genome position (GRCh38, 1-based): chr21:32,726,871, T>C on the plus strand (A>G on the coding strand, the complement: SYNJ1 is on the minus strand). VCF-style: chr21-32726871-T-C. GRCh37 (hg19) VCF-style: chr21-34099182-T-C.
Other names: c.25A>G, p.Ile9Val (NM_001160302.2, NM_001160306.2); c.142A>G, p.Ile48Val (NM_003895.4); short protein forms I48V, I9V.
Identifiers: ClinVar variation 572043 (VCV000572043.6), dbSNP rs757895747, ClinGen allele CA10004229.

ClinVar aggregate classification (germline): Uncertain significance (1 of 4 stars; one submission).

Conditions:
Early-onset Parkinson disease 20. Also called: PARKINSON DISEASE 20, AUTOSOMAL RECESSIVE EARLY-ONSET. Identifiers: Orphanet 391411, MedGen C3809824, MONDO:0014233, OMIM 615530.
Developmental and epileptic encephalopathy, 53. Also called: Epileptic encephalopathy, early infantile, 53. Identifiers: MedGen C4479313, MONDO:0033362, OMIM 617389.

Allele frequency attached by ClinVar (database versions not stated): gnomAD exomes below 0.00001; ExAC 0.00001; gnomAD 0.00001 and 0.00002; TOPMed 0.00001.
gnomAD v4.1: 9 of 1,614,020 alleles (0.00056%); highest among the groups gnomAD compares: Non-Finnish European, 0.00076%; no homozygotes.

Submission:

Labcorp Genetics (formerly Invitae), Labcorp
Classification: Uncertain significance for Developmental and epileptic encephalopathy, 53; Early-onset Parkinson disease 20. Last evaluated: 2022-08-09. Review status: criteria provided, single submitter. Criteria: Invitae Variant Classification Sherloc (09022015). Collection method: clinical testing. Allele origin: germline.
Comment: This sequence change replaces isoleucine, which is neutral and non-polar, with valine, which is neutral and non-polar, at codon 48 of the SYNJ1 protein (p.Ile48Val). This variant is present in population databases (rs757895747, gnomAD 0.0009%). This variant has not been reported in the literature in individuals affected with SYNJ1-related conditions. ClinVar contains an entry for this variant (Variation ID: 572043). Algorithms developed to predict the effect of missense changes on protein structure and function output the following: SIFT: "Tolerated"; PolyPhen-2: "Benign"; Align-GVGD: "Class C0". The valine amino acid residue is found in multiple mammalian species, which suggests that this missense change does not adversely affect protein function. In summary, the available evidence is currently insufficient to determine the role of this variant in disease. Therefore, it has been classified as a Variant of Uncertain Significance.